The following is an entry in ClinVar:

ClinVar aggregate classification (germline): Uncertain significance. Review status: criteria provided, multiple submitters, no conflicts (2 of 4 stars). 3 submissions from 3 submitters: Uncertain significance (3). Last evaluated 2025-10-07.

Conditions:
Ullrich congenital muscular dystrophy 2 (UCMD2). Identifiers: Orphanet 75840, MedGen C4225314, MONDO:0014654, OMIM 616470.
Bethlem myopathy 2 (BTHLM2). Identifiers: Orphanet 536516, Orphanet 610, MedGen C4225313, MONDO:0034022, OMIM 616471.
Inborn genetic diseases. Identifiers: MedGen C0950123, MeSH D030342.

Allele frequency attached by ClinVar (database versions not stated): TOPMed below 0.00001.

Submissions (3):

Ambry Genetics
Classification: Uncertain significance for Inborn genetic diseases. Last evaluated: 2025-10-07. Review status: criteria provided, single submitter. Criteria: Ambry Variant Classification Scheme 2023. Collection method: clinical testing. Allele origin: germline.

Labcorp Genetics (formerly Invitae), Labcorp
Classification: Uncertain significance for Bethlem myopathy 2; Ullrich congenital muscular dystrophy 2. Last evaluated: 2021-09-05. Review status: criteria provided, single submitter. Criteria: Invitae Variant Classification Sherloc (09022015). Collection method: clinical testing. Allele origin: germline.
Comment: This variant is not present in population databases (ExAC no frequency). Algorithms developed to predict the effect of missense changes on protein structure and function are either unavailable or do not agree on the potential impact of this missense change (SIFT: "Deleterious"; PolyPhen-2: "Probably Damaging"; Align-GVGD: "Class C0"). This variant has not been reported in the literature in individuals affected with COL12A1-related conditions. This sequence change replaces tyrosine with cysteine at codon 2129 of the COL12A1 protein (p.Tyr2129Cys). The tyrosine residue is highly conserved and there is a large physicochemical difference between tyrosine and cysteine. In summary, the available evidence is currently insufficient to determine the role of this variant in disease. Therefore, it has been classified as a Variant of Uncertain Significance.

Revvity Omics, Revvity
Classification: Uncertain significance. Last evaluated: 2019-04-03. Review status: criteria provided, single submitter. Criteria: ACMG Guidelines, 2015. Collection method: clinical testing. Allele origin: germline.

NM_004370.6(COL12A1):c.6386A>G (p.Tyr2129Cys)

Gene: COL12A1 (collagen type XII alpha 1 chain; minus strand). Cytogenetic location: 6q13.
Variant type: single nucleotide variant.
Coding change: c.6386A>G on transcript NM_004370.6 (MANE Select); coding-DNA position 6386, A replaced by G.
Protein change: p.Tyr2129Cys; replaces tyrosine 2129 with cysteine.
Molecular consequence: missense variant.
Genome position (GRCh38, 1-based): chr6:75,126,425, T>C on the plus strand (A>G on the coding strand, the complement: COL12A1 is on the minus strand). VCF-style: chr6-75126425-T-C. GRCh37 (hg19) VCF-style: chr6-75836141-T-C.
Other names: c.6386A>G (NM_004370.5); c.2894A>G, p.Tyr965Cys (NM_080645.3); short protein forms Y2129C, Y965C.
Identifiers: ClinVar variation 1423560 (VCV001423560.9), dbSNP rs1402262599, ClinGen allele CA364730125.
Genomic context (GRCh38, chr6:75,126,425, plus strand): 5'-ACTATTTTATATCCAAGAACTGGAGAAGGTGAAGGATCCCAGGACACCCTGAATCTTGTA[T>C]ACCATTCGTCAGAGATGTGTATGTTCTGAGGAGGAAGGAGTCCCACTGAAAACAAACATT-3'
Protein context (NP_004361.3, residues 2119-2139): PQNIHISDEW[Tyr2129Cys]TRFRVSWDPS